The following is an entry in ClinVar:

NM_024529.5(CDC73):c.829-12A>G

Gene: CDC73 (cell division cycle 73; plus strand). Cytogenetic location: 1q31.2.
Variant type: single nucleotide variant.
Coding change: c.829-12A>G on transcript NM_024529.5 (MANE Select); 12 bases into the intron before coding-DNA position 829, A replaced by G.
Molecular consequence: intron variant.
Genome position (GRCh38, 1-based): chr1:193,150,292, A>G. VCF-style: chr1-193150292-A-G. GRCh37 (hg19) VCF-style: chr1-193119422-A-G.
Identifiers: ClinVar variation 2080990 (VCV002080990.4), dbSNP rs2103132123, ClinGen allele CA2580061731.

ClinVar aggregate classification (germline): Uncertain significance (1 of 4 stars; one submission).

Conditions:
Parathyroid carcinoma (PRTC). Also called: Parathyroid gland carcinoma; CDC73-Related Parathyroid Carcinoma. Identifiers: Orphanet 143, MedGen C0687150, MONDO:0012004, OMIM 608266, HP:0006780.

Submission:

Labcorp Genetics (formerly Invitae), Labcorp
Classification: Uncertain significance for Parathyroid carcinoma. Last evaluated: 2022-03-12. Review status: criteria provided, single submitter. Criteria: Invitae Variant Classification Sherloc (09022015). Collection method: clinical testing. Allele origin: germline.
Comment: This sequence change falls in intron 8 of the CDC73 gene. It does not directly change the encoded amino acid sequence of the CDC73 protein. Algorithms developed to predict the effect of sequence changes on RNA splicing suggest that this variant may create or strengthen a splice site. This variant has not been reported in the literature in individuals affected with CDC73-related conditions. This variant is not present in population databases (gnomAD no frequency). In summary, the available evidence is currently insufficient to determine the role of this variant in disease. Therefore, it has been classified as a Variant of Uncertain Significance.